The following is an entry in ClinVar:

NC_000017.11:g.(?_43115706)_(43125483_?)del

Genes: BRCA1 (BRCA1 DNA repair associated; minus strand), LOC111589216 (BRCA1 intron 2 regulatory region; plus strand), LOC111589215 (BRCA1 promoter region; plus strand), LOC110485084 (BRCA1 intronic recombination region; plus strand). Cytogenetic location: 17q21.31.
Variant type: Deletion.
Identifiers: ClinVar variation 584117 (VCV000584117.3).

ClinVar aggregate classification (germline): Pathogenic (1 of 4 stars; one submission).

Conditions:
Hereditary breast ovarian cancer syndrome. Also called: Hereditary breast and ovarian cancer syndrome; Hereditary breast and/or ovarian cancer syndrome; Hereditary breast and ovarian cancer syndrome (HBOC); Breast and ovarian cancer; BRCA1- and BRCA2-Associated Hereditary Breast and Ovarian Cancer; Hereditary breast and ovarian cancer. Identifiers: Orphanet 145, MedGen C0677776, MeSH D061325, MONDO:0003582. Disease mechanism: loss of function.

Submission:

Labcorp Genetics (formerly Invitae), Labcorp
Classification: Pathogenic for Hereditary breast and ovarian cancer syndrome. Last evaluated: 2019-08-16. Review status: criteria provided, single submitter. Criteria: Invitae Variant Classification Sherloc (09022015). Collection method: clinical testing. Allele origin: germline.
Comment: This variant is a gross deletion of the genomic region encompassing non-coding exon 1 and exons 2-3 of the BRCA1 gene, which includes the initiator codon. The 5' end of this event is unknown as it extends beyond the assayed region for this gene and therefore may encompass additional genes. The 3' boundary is likely confined to intron 3 of the BRCA1 gene. This is expected to result in an absent or disrupted protein product. Deletion of exons 1-3 has been observed in individuals affected with breast and ovarian cancer (PMID: 15951958). Loss-of-function variants in BRCA1 are known to be pathogenic (PMID: 20104584). For these reasons, this variant has been classified as Pathogenic.

Literature cited by the submitters: PubMed 15951958.